The following is an entry in ClinVar:

NM_000059.4(BRCA2):c.1943C>A (p.Ser648Ter)

Gene: BRCA2 (BRCA2 DNA repair associated; plus strand). Cytogenetic location: 13q13.1.
Variant type: single nucleotide variant.
Coding change: c.1943C>A on transcript NM_000059.4 (MANE Select); coding-DNA position 1943, C replaced by A.
Protein change: p.Ser648Ter; replaces serine 648 with a stop codon.
Molecular consequence: nonsense.
Genome position (GRCh38, 1-based): chr13:32,336,298, C>A. VCF-style: chr13-32336298-C-A. GRCh37 (hg19) VCF-style: chr13-32910435-C-A.
Other names: c.1943C>A (NM_000059.3); short protein forms S648*.
Identifiers: ClinVar variation 3482039 (VCV003482039.1).

ClinVar aggregate classification (germline): Pathogenic (1 of 4 stars; one submission).

Conditions:
Hereditary cancer-predisposing syndrome. Also called: Tumor predisposition; Neoplastic Syndromes, Hereditary; Hereditary Cancer Syndrome; Hereditary neoplastic syndrome. Identifiers: Orphanet 140162, MedGen C0027672, MeSH D009386, MONDO:0015356.

Submission:

Ambry Genetics
Classification: Pathogenic for Hereditary cancer-predisposing syndrome. Last evaluated: 2024-07-29. Review status: criteria provided, single submitter. Criteria: Ambry Variant Classification Scheme 2023. Collection method: clinical testing. Allele origin: germline.
Comment: The p.S648* pathogenic mutation (also known as c.1943C>A), located in coding exon 10 of the BRCA2 gene, results from a C to A substitution at nucleotide position 1943. This changes the amino acid from a serine to a stop codon within coding exon 10. This variant is considered to be rare based on population cohorts in the Genome Aggregation Database (gnomAD). This alteration is expected to result in loss of function by premature protein truncation or nonsense-mediated mRNA decay. As such, this alteration is interpreted as a disease-causing mutation.